The following is an entry in ClinVar:

ClinVar aggregate classification (germline): Pathogenic (1 of 4 stars; one submission).

Conditions:
Kleefstra syndrome 1 (KLEFS1). Identifiers: Orphanet 261494, MedGen C0795833, MONDO:0027407, OMIM 610253.

Submission:

Labcorp Genetics (formerly Invitae), Labcorp
Classification: Pathogenic for Kleefstra syndrome 1. Last evaluated: 2024-05-15. Review status: criteria provided, single submitter. Criteria: Invitae Variant Classification Sherloc (09022015). Collection method: clinical testing. Allele origin: germline.
Comment: This sequence change creates a premature translational stop signal (p.Asn240Lysfs*4) in the EHMT1 gene. It is expected to result in an absent or disrupted protein product. Loss-of-function variants in EHMT1 are known to be pathogenic (PMID: 16826528, 19264732). This variant is not present in population databases (gnomAD no frequency). This variant has not been reported in the literature in individuals affected with EHMT1-related conditions. ClinVar contains an entry for this variant (Variation ID: 2026959). For these reasons, this variant has been classified as Pathogenic.

Literature cited by the submitters: PubMed 16826528; PubMed 19264732.

NM_024757.5(EHMT1):c.719dup (p.Asn240fs)

Gene: EHMT1 (euchromatic histone lysine methyltransferase 1; plus strand). Cytogenetic location: 9q34.3.
Variant type: Duplication.
Coding change: c.719dup on transcript NM_024757.5 (MANE Select); coding-DNA position 719, one base duplicated (A; older notation c.719dupA).
Protein change: p.Asn240fs; shifts the reading frame from asparagine 240.
Molecular consequence: frameshift variant.
Genome position (GRCh38, 1-based): chr9:137,728,425, A duplicated; the last of 5 consecutive A bases (chr9:137,728,421-137,728,425); duplicating any one gives the same sequence. VCF-style (leftmost placement, unchanged base first): chr9-137728420-C-CA. GRCh37 (hg19) VCF-style: chr9-140622872-C-CA.
Other names: c.719dup, p.Asn240fs (NM_001145527.2, NM_001354263.2, NM_001354611.2); c.626dup, p.Asn209fs (NM_001354259.2, NM_001354612.2); short protein forms N240fs, N209fs.
Identifiers: ClinVar variation 2026959 (VCV002026959.4), dbSNP rs2541310904, ClinGen allele CA2580080973.
Genomic context (GRCh38, chr9:137,728,420, plus strand): 5'-TAAAGATCCCAGAGAAGTTCGAGAAGCTAGAGATCATAAGGAACCAAAAGAGGAGATCAA[C>CA]AAAAACATTTCTGACTTTGGACGACAGCAGCTTTTACCCCCCTTCCCATCCCTTCATCAG-3'